The following is an entry in ClinVar:

NM_177402.5(SYT2):c.260G>C (p.Cys87Ser)

Gene: SYT2 (synaptotagmin 2; minus strand). Cytogenetic location: 1q32.1.
Variant type: single nucleotide variant.
Coding change: c.260G>C on transcript NM_177402.5 (MANE Select); coding-DNA position 260, G replaced by C.
Protein change: p.Cys87Ser; replaces cysteine 87 with serine.
Molecular consequence: missense variant.
Genome position (GRCh38, 1-based): chr1:202,604,540, C>G on the plus strand (G>C on the coding strand, the complement: SYT2 is on the minus strand). VCF-style: chr1-202604540-C-G. GRCh37 (hg19) VCF-style: chr1-202573668-C-G.
Other names: c.260G>C, p.Cys87Ser (NM_001136504.1); short protein forms C87S.
Identifiers: ClinVar variation 2742357 (VCV002742357.3), dbSNP rs757372231, ClinGen allele CA344259362.

ClinVar aggregate classification (germline): Uncertain significance (1 of 4 stars; one submission).

Submission:

Labcorp Genetics (formerly Invitae), Labcorp
Classification: Uncertain significance. Last evaluated: 2023-07-12. Review status: criteria provided, single submitter. Criteria: Invitae Variant Classification Sherloc (09022015). Collection method: clinical testing. Allele origin: germline.
Comment: This sequence change replaces cysteine, which is neutral and slightly polar, with serine, which is neutral and polar, at codon 87 of the SYT2 protein (p.Cys87Ser). This variant is not present in population databases (gnomAD no frequency). This variant has not been reported in the literature in individuals affected with SYT2-related conditions. Advanced modeling of protein sequence and biophysical properties (such as structural, functional, and spatial information, amino acid conservation, physicochemical variation, residue mobility, and thermodynamic stability) performed at Invitae indicates that this missense variant is not expected to disrupt SYT2 protein function. In summary, the available evidence is currently insufficient to determine the role of this variant in disease. Therefore, it has been classified as a Variant of Uncertain Significance.